The following is an entry in ClinVar:

ClinVar aggregate classification (germline): Pathogenic. Review status: criteria provided, single submitter (1 of 4 stars). 2 submissions from 2 submitters: Pathogenic (1). 1 of the submissions does not count toward it. Last evaluated 2020-12-10.

Conditions:
Autosomal dominant Alport syndrome (ATS3A). Also called: ALPORT SYNDROME 3A, AUTOSOMAL DOMINANT; Alport syndrome dominant type; Renal failure and sensorineural hearing loss. Identifiers: Orphanet 63, Orphanet 88918, MedGen C5882663, MONDO:0007086, OMIM 104200.

Submissions (2):

Labcorp Genetics (formerly Invitae), Labcorp
Classification: Pathogenic. Last evaluated: 2020-12-10. Review status: criteria provided, single submitter. Criteria: Invitae Variant Classification Sherloc (09022015). Collection method: clinical testing. Allele origin: germline.
Comment: For these reasons, this variant has been classified as Pathogenic. Loss-of-function variants in COL4A3 are known to be pathogenic (PMID: 8956999, 24854265, 26809805, 27281700). Algorithms developed to predict the effect of sequence changes on RNA splicing suggest that this variant may create or strengthen a splice site, but this prediction has not been confirmed by published transcriptional studies. This variant has been observed in individual(s) affected with clinical features of Alport syndrome (Invitae). ClinVar contains an entry for this variant (Variation ID: 599079). This variant is not present in population databases (ExAC no frequency). This sequence change creates a premature translational stop signal (p.Ser1272Leufs*46) in the COL4A3 gene. It is expected to result in an absent or disrupted protein product.

Bioscientia Institut fuer Medizinische Diagnostik GmbH, Sonic Healthcare
Classification: Pathogenic for Autosomal dominant Alport syndrome. Last evaluated: 2018-02-19. Review status: no assertion criteria provided. Collection method: clinical testing. Allele origin: germline. Affected: yes. Not counted in ClinVar's aggregate classification.

Literature cited by the submitters: PubMed 8956999 (cited by Labcorp Genetics (formerly Invitae), Labcorp); PubMed 24854265 (cited by Labcorp Genetics (formerly Invitae), Labcorp); PubMed 26809805 (cited by Labcorp Genetics (formerly Invitae), Labcorp); PubMed 27281700 (cited by Labcorp Genetics (formerly Invitae), Labcorp).

NM_000091.5(COL4A3):c.3813del (p.Ser1272fs)

Genes: MFF-DT (MFF divergent transcript; minus strand), COL4A3 (collagen type IV alpha 3 chain; plus strand). Cytogenetic location: 2q36.3.
Variant type: Deletion.
Coding change: c.3813del on transcript NM_000091.5 (MANE Select); coding-DNA position 3813, one base deleted (G; older notation c.3813delG).
Protein change: p.Ser1272fs; shifts the reading frame from serine 1272.
Molecular consequence: frameshift variant.
Genome position (GRCh38, 1-based): chr2:227,298,743, G deleted; the last of 3 consecutive G bases (chr2:227,298,741-227,298,743); deleting any one gives the same sequence. VCF-style (leftmost placement, unchanged base first): chr2-227298740-AG-A. GRCh37 (hg19) VCF-style: chr2-228163456-AG-A.
Other names: c.3813delG (NM_000091.4); short protein forms S1272fs.
Identifiers: ClinVar variation 599079 (VCV000599079.14), dbSNP rs1559914770, ClinGen allele CA913189911.